The following is an entry in ClinVar:

NM_000088.4(COL1A1):c.2333del (p.Pro778fs)

Gene: COL1A1 (collagen type I alpha 1 chain; minus strand). Cytogenetic location: 17q21.33.
Variant type: Deletion.
Coding change: c.2333del on transcript NM_000088.4 (MANE Select); coding-DNA position 2333, one base deleted (C; older notation c.2333delC).
Protein change: p.Pro778fs; shifts the reading frame from proline 778.
Molecular consequence: frameshift variant.
Genome position (GRCh38, 1-based): chr17:50,190,827, G deleted on the plus strand (C on the coding strand, the reverse complement: COL1A1 is on the minus strand); the first of 4 consecutive G bases (chr17:50,190,827-50,190,830); deleting any one gives the same sequence. VCF-style (leftmost placement, unchanged base first): chr17-50190826-AG-A. GRCh37 (hg19) VCF-style: chr17-48268187-AG-A.
Other names: short protein forms P778fs.
Identifiers: ClinVar variation 2110999 (VCV002110999.4), dbSNP rs2509193629, ClinGen allele CA2580094262.

ClinVar aggregate classification (germline): Pathogenic (1 of 4 stars; one submission).

Conditions:
Osteogenesis imperfecta type I (OI1). Also called: Lobstein disease; OI, TYPE I; OSTEOGENESIS IMPERFECTA TARDA; OSTEOGENESIS IMPERFECTA WITH BLUE SCLERAE; Osteogenesis imperfecta type 1; Classic Non-deforming Osteogenesis Imperfecta with Blue Sclerae. Identifiers: Orphanet 216796, Orphanet 666, MedGen C0023931, MONDO:0008146, OMIM 166200. Disease mechanism: loss of function.

Submission:

Labcorp Genetics (formerly Invitae), Labcorp
Classification: Pathogenic for Osteogenesis imperfecta type I. Last evaluated: 2022-03-13. Review status: criteria provided, single submitter. Criteria: Invitae Variant Classification Sherloc (09022015). Collection method: clinical testing. Allele origin: germline.
Comment: For these reasons, this variant has been classified as Pathogenic. This variant has not been reported in the literature in individuals affected with COL1A1-related conditions. This variant is not present in population databases (gnomAD no frequency). This sequence change creates a premature translational stop signal (p.Pro778Leufs*330) in the COL1A1 gene. It is expected to result in an absent or disrupted protein product. Loss-of-function variants in COL1A1 are known to be pathogenic (PMID: 7942841, 9295084, 9443882).

Literature cited by the submitters: PubMed 7942841; PubMed 9295084; PubMed 9443882.